The following is an entry in ClinVar:

NM_014361.4(CNTN5):c.3122A>G (p.Tyr1041Cys)

Gene: CNTN5 (contactin 5; plus strand). Cytogenetic location: 11q22.1.
Variant type: single nucleotide variant.
Coding change: c.3122A>G on transcript NM_014361.4 (MANE Select); coding-DNA position 3122, A replaced by G.
Protein change: p.Tyr1041Cys; replaces tyrosine 1041 with cysteine.
Molecular consequence: missense variant.
Genome position (GRCh38, 1-based): chr11:100,350,793, A>G. VCF-style: chr11-100350793-A-G. GRCh37 (hg19) VCF-style: chr11-100221524-A-G.
Other names: c.3122A>G, p.Tyr1041Cys (NM_001243270.2); c.2900A>G, p.Tyr967Cys (NM_175566.2); short protein forms Y1041C, Y967C.
Identifiers: ClinVar variation 3058029 (VCV003058029.2), dbSNP rs200464633, ClinGen allele CA6242936.

ClinVar aggregate classification (germline): Likely benign (0 of 4 stars; one submission).

Conditions:
CNTN5-related disorder. Also called: CNTN5-related condition.

Allele frequency attached by ClinVar (database versions not stated): gnomAD exomes 0.00013; TOPMed 0.00015; gnomAD 0.00016; ExAC 0.00027; 1000 Genomes Project 0.00160; 1000 Genomes Project 30x 0.00172.
gnomAD v4.1: 219 of 1,608,584 alleles (0.014%); highest among the groups gnomAD compares: East Asian, 0.19%; 1 homozygote.

Submission:

PreventionGenetics, part of Exact Sciences
Classification: Likely benign for CNTN5-related condition. Last evaluated: 2022-06-08. Review status: no assertion criteria provided. Collection method: clinical testing. Allele origin: germline.
Comment: This variant is classified as likely benign based on ACMG/AMP sequence variant interpretation guidelines (Richards et al. 2015 PMID: 25741868, with internal and published modifications).